The following is an entry in ClinVar:

NM_000051.4(ATM):c.2638G>A (p.Gly880Ser)

Gene: ATM (ATM serine/threonine kinase; plus strand). Cytogenetic location: 11q22.3.
Variant type: single nucleotide variant.
Coding change: c.2638G>A on transcript NM_000051.4 (MANE Select); coding-DNA position 2638, G replaced by A.
Protein change: p.Gly880Ser; replaces glycine 880 with serine.
Molecular consequence: missense variant.
Genome position (GRCh38, 1-based): chr11:108,267,342, G>A. VCF-style: chr11-108267342-G-A. GRCh37 (hg19) VCF-style: chr11-108138069-G-A.
Other names: c.2638G>A, p.Gly880Ser (NM_001351834.2); short protein forms G880S.
Identifiers: ClinVar variation 1794149 (VCV001794149.7), dbSNP rs2135509665, ClinGen allele CA382544368.
Genomic context (GRCh38, chr11:108,267,342, plus strand): 5'-GATTACCCTGATAGTAGTGTTAGTGATGCAAACGAACCTGGAGAGAGCCAAAGTACCATA[G>A]GTAAATACATATTTACTACTTGGGATTTCTTTTACTTCTTTATATTGATTTGGCAGTATA-3'
Protein context (NP_000042.3, residues 870-890): NEPGESQSTI[Gly880Ser]AINPLAEEYL

ClinVar aggregate classification (germline): Uncertain significance. Review status: criteria provided, multiple submitters, no conflicts (2 of 4 stars). 2 submissions from 2 submitters: Uncertain significance (2). Last evaluated 2025-04-29.

Conditions:
Ataxia-telangiectasia syndrome (AT). Also called: Ataxia-telangiectasia, complementation group D; AT, COMPLEMENTATION GROUP C; ATAXIA-TELANGIECTASIA, COMPLEMENTATION GROUP A; ATAXIA-TELANGIECTASIA, FRESNO VARIANT; Ataxia-telangiectasia; LOUIS-BAR SYNDROME. Identifiers: Orphanet 100, MedGen C0004135, MONDO:0008840, OMIM 208900.
Hereditary cancer-predisposing syndrome. Also called: Neoplastic Syndromes, Hereditary; Tumor predisposition; Hereditary neoplastic syndrome; Hereditary Cancer Syndrome. Identifiers: Orphanet 140162, MedGen C0027672, MeSH D009386, MONDO:0015356.

Submissions (2):

Labcorp Genetics (formerly Invitae), Labcorp
Classification: Uncertain significance for Ataxia-telangiectasia syndrome. Last evaluated: 2025-04-29. Review status: criteria provided, single submitter. Criteria: Invitae Variant Classification Sherloc (09022015). Collection method: clinical testing. Allele origin: germline.
Comment: This sequence change replaces glycine, which is neutral and non-polar, with serine, which is neutral and polar, at codon 880 of the ATM protein (p.Gly880Ser). This variant also falls at the last nucleotide of exon 17, which is part of the consensus splice site for this exon. This variant is not present in population databases (gnomAD no frequency). This variant has not been reported in the literature in individuals affected with ATM-related conditions. ClinVar contains an entry for this variant (Variation ID: 1794149). An algorithm developed to predict the effect of missense changes on protein structure and function (PolyPhen-2) suggests that this variant is likely to be tolerated. Variants that disrupt the consensus splice site are a relatively common cause of aberrant splicing (PMID: 17576681, 9536098). Algorithms developed to predict the effect of sequence changes on RNA splicing suggest that this variant may disrupt the consensus splice site. In summary, the available evidence is currently insufficient to determine the role of this variant in disease. Therefore, it has been classified as a Variant of Uncertain Significance.

Ambry Genetics
Classification: Uncertain significance for Hereditary cancer-predisposing syndrome. Last evaluated: 2020-12-22. Review status: criteria provided, single submitter. Criteria: Ambry Variant Classification Scheme 2023. Collection method: clinical testing. Allele origin: germline.
Comment: The p.G880S variant (also known as c.2638G>A), located in coding exon 16 of the ATM gene, results from a G to A substitution at nucleotide position 2638. The glycine at codon 880 is replaced by serine, an amino acid with similar properties. This amino acid position is highly conserved in available vertebrate species. In addition, the in silico prediction for this alteration is inconclusive. Since supporting evidence is limited at this time, the clinical significance of this alteration remains unclear.

Literature cited by the submitters: PubMed 17576681 (cited by Labcorp Genetics (formerly Invitae), Labcorp); PubMed 9536098 (cited by Labcorp Genetics (formerly Invitae), Labcorp).